The following is an entry in ClinVar:

NM_005901.6(SMAD2):c.556A>G (p.Ile186Val)

Gene: SMAD2 (SMAD family member 2; minus strand). Cytogenetic location: 18q21.1.
Variant type: single nucleotide variant.
Coding change: c.556A>G on transcript NM_005901.6 (MANE Select); coding-DNA position 556, A replaced by G.
Protein change: p.Ile186Val; replaces isoleucine 186 with valine.
Molecular consequence: missense variant.
Genome position (GRCh38, 1-based): chr18:47,868,422, T>C on the plus strand (A>G on the coding strand, the complement: SMAD2 is on the minus strand). VCF-style: chr18-47868422-T-C. GRCh37 (hg19) VCF-style: chr18-45394793-T-C.
Other names: c.556A>G, p.Ile186Val (NM_001003652.4); c.466A>G, p.Ile156Val (NM_001135937.3); short protein forms I156V, I186V.
Identifiers: ClinVar variation 4864680 (VCV004864680.1).

ClinVar aggregate classification (germline): Uncertain significance (1 of 4 stars; one submission).

Conditions:
Inborn genetic diseases. Identifiers: MedGen C0950123, MeSH D030342.

Submission:

Ambry Genetics
Classification: Uncertain significance for Inborn genetic diseases. Last evaluated: 2026-04-18. Review status: criteria provided, single submitter. Criteria: Ambry Variant Classification Scheme 2023. Collection method: clinical testing. Allele origin: germline.
Comment: The p.I186V variant (also known as c.556A>G), located in coding exon 4 of the SMAD2 gene, results from an A to G substitution at nucleotide position 556. The isoleucine at codon 186 is replaced by valine, an amino acid with highly similar properties. This amino acid position is conserved. In addition, this alteration is predicted to be tolerated by in silico analysis. Based on the available evidence, the clinical significance of this variant remains unclear.